The following is an entry in ClinVar:

NM_138636.5(TLR8):c.2087G>A (p.Arg696His)

Genes: TLR8 (toll like receptor 8; plus strand), TLR8-AS1 (TLR8 antisense RNA 1; minus strand). Cytogenetic location: Xp22.2.
Variant type: single nucleotide variant.
Coding change: c.2087G>A on transcript NM_138636.5 (MANE Select); coding-DNA position 2087, G replaced by A.
Protein change: p.Arg696His; replaces arginine 696 with histidine.
Molecular consequence: missense variant.
Genome position (GRCh38, 1-based): chrX:12,921,127, G>A. VCF-style: chrX-12921127-G-A. GRCh37 (hg19) VCF-style: chrX-12939246-G-A.
Other names: c.2141G>A, p.Arg714His (NM_016610.4); short protein forms R714H, R696H.
Identifiers: ClinVar variation 2345410 (VCV002345410.4), dbSNP rs368213008, ClinGen allele CA10350336.
Genomic context (GRCh38, chrX:12,921,127, plus strand): 5'-TAAAGTTTTTTAACTGGACATTACTCCAGCAGTTTCCTCGTCTCGAGTTGCTTGACTTAC[G>A]TGGAAACAAACTACTCTTTTTAACTGATAGCCTATCTGACTTTACATCTTCCCTTCGGAC-3'
Protein context (NP_619542.1, residues 686-706): QFPRLELLDL[Arg696His]GNKLLFLTDS

ClinVar aggregate classification (germline): Uncertain significance. Review status: criteria provided, multiple submitters, no conflicts (2 of 4 stars). 2 submissions from 2 submitters: Uncertain significance (2). Last evaluated 2025-06-24.

Allele frequency attached by ClinVar (database versions not stated): gnomAD exomes 0.00013; ESP Exome Variant Server 0.00019; 1000 Genomes Project 30x 0.00021; TOPMed 0.00023; gnomAD 0.00016; ExAC 0.00013; 1000 Genomes Project 0.00026.
gnomAD v4.1: 162 of 1,209,809 alleles (0.013%); highest among the groups gnomAD compares: Middle Eastern, 0.14%; no homozygotes.

Submissions (2):

Dasa
Classification: Uncertain significance. Last evaluated: 2025-06-24. Review status: criteria provided, single submitter. Criteria: DASA Assertion Criteria. Collection method: clinical testing. Allele origin: germline.
Comment: NM_138636.5(TLR8):c.2087G>A (p.Arg696His) is a missense variant that results in the substitution of arginine with histidine. This variant is rare in population databases. Computational prediction algorithms are consistent with a benign effect. The currently available literature and clinical evidence are not sufficient to establish a definitive association between this variant and the reported condition. Therefore, this variant is classified as a variant of uncertain significance.

Ambry Genetics
Classification: Uncertain significance. Last evaluated: 2021-09-16. Review status: criteria provided, single submitter. Criteria: Ambry Variant Classification Scheme 2023. Collection method: clinical testing. Allele origin: germline.